The following is an entry in ClinVar:

NM_014844.5(TECPR2):c.3953dup (p.Leu1319fs)

Gene: TECPR2 (tectonin beta-propeller repeat containing 2; plus strand). Cytogenetic location: 14q32.31.
Variant type: Duplication.
Coding change: c.3953dup on transcript NM_014844.5 (MANE Select); coding-DNA position 3953, one base duplicated (C; older notation c.3953dupC).
Protein change: p.Leu1319fs; shifts the reading frame from leucine 1319.
Molecular consequence: frameshift variant.
Genome position (GRCh38, 1-based): chr14:102,497,591, C duplicated. VCF-style (leftmost placement, unchanged base first): chr14-102497590-G-GC. GRCh37 (hg19) VCF-style: chr14-102963927-G-GC.
Other names: short protein forms L1319fs.
Identifiers: ClinVar variation 4278594 (VCV004278594.2).

ClinVar aggregate classification (germline): Likely pathogenic (1 of 4 stars; one submission).

Submission:

GeneDx
Classification: Likely pathogenic. Last evaluated: 2026-08-06. Review status: criteria provided, single submitter. Criteria: GeneDx Variant Classification Process June 2021. Collection method: clinical testing. Allele origin: germline.
Comment: Frameshift variant predicted to result in abnormal protein length as the last 93 amino acid(s) are replaced with 47 different amino acid(s), and other similar variants have been reported in HGMD; Not observed at significant frequency in large population cohorts (gnomAD); Has not been previously published as pathogenic or benign to our knowledge